The following continues an entry in ClinVar:

NM_007294.4(BRCA1):c.4357+1G>A

Gene: BRCA1. ClinVar aggregate classification (germline): Pathogenic. Pathogenic (1).

Submissions 19 to 25 of 25:

Consortium of Investigators of Modifiers of BRCA1/2 (CIMBA), c/o University of Cambridge
Classification: Pathogenic for Breast-ovarian cancer, familial, susceptibility to, 1. Last evaluated: 2015-10-02. Review status: criteria provided, single submitter. Criteria: CIMBA Mutation Classification guidelines May 2016. Collection method: clinical testing. Allele origin: germline. Not counted in ClinVar's aggregate classification.

Pathway Genomics
Classification: Pathogenic for Breast-ovarian cancer, familial 1. Last evaluated: 2014-10-30. Review status: criteria provided, single submitter. Criteria: ACMG Guidelines, 2015. Collection method: clinical testing. Allele origin: germline. Affected: yes. Not counted in ClinVar's aggregate classification.

Counsyl
Classification: Pathogenic for Breast-ovarian cancer, familial, susceptibility to, 1. Last evaluated: 2016-05-25. Review status: no assertion criteria provided. Collection method: clinical testing. Allele origin: unknown. Not counted in ClinVar's aggregate classification.

Research Molecular Genetics Laboratory, Women's College Hospital, University of Toronto
Classification: Pathogenic for Hereditary breast ovarian cancer syndrome. Last evaluated: 2014-01-31. Review status: no assertion criteria provided. Collection method: research. Allele origin: germline. Affected: yes. Study: The Canadian Open Genetics Repository (COGR). Not counted in ClinVar's aggregate classification.

Sharing Clinical Reports Project (SCRP)
Classification: Pathogenic for Breast-ovarian cancer, familial 1. Last evaluated: 2012-10-18. Review status: no assertion criteria provided. Collection method: clinical testing. Allele origin: germline. Not counted in ClinVar's aggregate classification.

Breast Cancer Information Core (BIC) (BRCA1)
Classification: Pathogenic for Breast-ovarian cancer, familial 1. Last evaluated: 2002-05-29. Review status: no assertion criteria provided. Collection method: clinical testing. Allele origin: germline. Affected: yes. Observed: 21 variant alleles. Not counted in ClinVar's aggregate classification.

Department of Pathology and Laboratory Medicine, Sinai Health System
Classification: Pathogenic. Review status: no assertion criteria provided. Collection method: clinical testing. Allele origin: unknown. Affected: yes. Observed: 6 variant alleles. Study: The Canadian Open Genetics Repository (COGR). Not counted in ClinVar's aggregate classification.

Literature cited by the submitters: PubMed 21769658 (cited by 7 submitters); PubMed 15533909 (cited by 7 submitters); PubMed 20104584 (cited by 3 submitters); PubMed 24013928 (cited by 3 submitters); PubMed 24797986 (cited by 5 submitters); PubMed 25085752 (cited by Labcorp Genetics (formerly Invitae), Labcorp and Ambry Genetics); PubMed 25452441 (cited by 5 submitters); PubMed 26681312 (cited by 3 submitters); PubMed 17924331 (cited by 5 submitters); PubMed 21735045 (cited by Labcorp Genetics (formerly Invitae), Labcorp and Ambry Genetics); PubMed 24667779 (cited by 5 submitters); PubMed 23458327 (cited by Color Diagnostics, LLC DBA Color Health and Ambry Genetics); PubMed 27425403 (cited by 5 submitters); PubMed 29368341 (cited by Color Diagnostics, LLC DBA Color Health and Quest Diagnostics Nichols Institute San Juan Capistrano); PubMed 30322717 (cited by 3 submitters); PubMed 31853058 (cited by Color Diagnostics, LLC DBA Color Health); PubMed 33471991 (cited by Color Diagnostics, LLC DBA Color Health); PubMed 18951446 (cited by Ambry Genetics); PubMed 21990134 (cited by 4 submitters); PubMed 29446198 (cited by Ambry Genetics); PubMed 30209399 (cited by Ambry Genetics); PubMed 29907814 (cited by Quest Diagnostics Nichols Institute San Juan Capistrano and Sema4); PubMed 38355628 (cited by Quest Diagnostics Nichols Institute San Juan Capistrano); PubMed 36551643 (cited by Quest Diagnostics Nichols Institute San Juan Capistrano); PubMed 36367610 (cited by Quest Diagnostics Nichols Institute San Juan Capistrano); PubMed 32832836 (cited by Quest Diagnostics Nichols Institute San Juan Capistrano); PubMed 33646313 (cited by Quest Diagnostics Nichols Institute San Juan Capistrano); PubMed 26295337 (cited by Quest Diagnostics Nichols Institute San Juan Capistrano).